The following is an entry in ClinVar:

NM_006577.6(B3GNT2):c.1101C>T (p.Cys367=)

Gene: B3GNT2 (UDP-GlcNAc:betaGal beta-1,3-N-acetylglucosaminyltransferase 2; plus strand). Cytogenetic location: 2p15.
Variant type: single nucleotide variant.
Coding change: c.1101C>T on transcript NM_006577.6 (MANE Select); coding-DNA position 1101, C replaced by T.
Protein change: p.Cys367=; no amino-acid change (cysteine 367 retained).
Molecular consequence: synonymous variant.
Genome position (GRCh38, 1-based): chr2:62,223,321, C>T. VCF-style: chr2-62223321-C-T. GRCh37 (hg19) VCF-style: chr2-62450456-C-T.
Other names: c.1101C>T, p.Cys367= (NM_001319075.2).
Identifiers: ClinVar variation 4873711 (VCV004873711.2).
Genomic context (GRCh38, chr2:62,223,321, plus strand): 5'-AGAGAAACACAAAGGCTTCAGGACATTTGATATCGAGGAGAAAAACAAAAATAACATCTG[C>T]TCCTATGTAGATCTGATGTTAGTACATAGTAGAAAACCTCAAGAGATGATTGATATTTGG-3'
Protein context (NP_006568.2, residues 357-377): DIEEKNKNNI[Cys367=]SYVDLMLVHS

ClinVar aggregate classification (germline): Likely benign (1 of 4 stars; one submission).

Submission:

CeGaT Center for Human Genetics Tuebingen
Classification: Likely benign. Last evaluated: 2026-05-01. Review status: criteria provided, single submitter. Criteria: CeGaT Center For Human Genetics Tuebingen Variant Classification Criteria Version 2. Collection method: clinical testing. Allele origin: germline. Affected: yes. Observed: 1 variant allele.
Comment: B3GNT2: BP4, BP7